The following is an entry in ClinVar:

ClinVar aggregate classification (germline): Pathogenic/Likely pathogenic. Review status: criteria provided, multiple submitters, no conflicts (2 of 4 stars). 2 submissions from 2 submitters: Pathogenic (1); Likely pathogenic (1). Last evaluated 2024-11-18.

Conditions:
LAMA2-related muscular dystrophy (LAMA2-RD). Also called: Laminin alpha 2-related dystrophy. Identifiers: MedGen C5679788, MONDO:0100228.

Submissions (2):

Servicio de Genética Del Instituto Nacional de Salud Del Niño, Ministerio de Salud
Classification: Likely pathogenic for LAMA2-related muscular dystrophy. Last evaluated: 2024-11-18. Review status: criteria provided, single submitter. Criteria: ACMG Guidelines, 2015. Collection method: clinical testing. Allele origin: germline. Inheritance: Autosomal recessive inheritance. Affected: yes.
Comment: These variants may impact protein function, potentially leading to altered biological activity. Based on ACMG/AMP guidelines, these variants should be evaluated for criteria such as PM3 (for compound heterozygosity), PP3 (in silico predictions), and any functional studies supporting pathogenicity. Further clinical correlation and segregation analysis are recommended to clarify their significance.

Labcorp Genetics (formerly Invitae), Labcorp
Classification: Pathogenic for LAMA2-related muscular dystrophy. Last evaluated: 2020-12-09. Review status: criteria provided, single submitter. Criteria: Invitae Variant Classification Sherloc (09022015). Collection method: clinical testing. Allele origin: germline.
Comment: For these reasons, this variant has been classified as Pathogenic. This variant disrupts the C-terminus of the LAMA2 protein. Other variant(s) that disrupt this region (p.Lys3074Asnfs*5) have been determined to be pathogenic (Invitae). This suggests that variants that disrupt this region of the protein are likely to be causative of disease. This variant has been observed in individual(s) with clinical features of congenital muscular dystrophy (Invitae). This variant has also been observed in an individual affected with schizophrenia, although the clinical significance of this finding is unknown (PMID: 21822266). ClinVar contains an entry for this variant (Variation ID: 639663). This variant is not present in population databases (ExAC no frequency). This sequence change creates a premature translational stop signal (p.Ser3050Thrfs*27) in the LAMA2 gene. While this is not anticipated to result in nonsense mediated decay, it is expected to disrupt the last 73 amino acid(s) of the LAMA2 protein.

Literature cited by the submitters: PubMed 21822266 (cited by Labcorp Genetics (formerly Invitae), Labcorp).

NM_000426.4(LAMA2):c.9149_9155del (p.Ser3050fs)

Gene: LAMA2 (laminin subunit alpha 2; plus strand). Cytogenetic location: 6q22.33.
Variant type: Microsatellite.
Coding change: c.9149_9155del on transcript NM_000426.4 (MANE Select); coding-DNA positions 9149 to 9155, 7 bases deleted (GCCCAAA; older notation c.9149_9155delGCCCAAA).
Protein change: p.Ser3050fs; shifts the reading frame from serine 3050.
Molecular consequence: frameshift variant.
Genome position (GRCh38, 1-based): chr6:129,514,533-129,514,539, GCCCAAA deleted; deleting any 7 consecutive bases within chr6:129,514,524-129,514,539 gives the same sequence; the c. name uses the placement nearest the transcript's 3' end. VCF-style (leftmost placement, unchanged base first): chr6-129514523-GAAGCCCA-G. GRCh37 (hg19) VCF-style: chr6-129835668-GAAGCCCA-G.
Other names: c.9149_9155delGCCCAAA (NM_000426.3); c.9137_9143del, p.Ser3046fs (NM_001079823.2); short protein forms S3050fs, S3046fs.
Identifiers: ClinVar variation 639663 (VCV000639663.12), dbSNP rs1323340608, ClinGen allele CA570059026.